The following is an entry in ClinVar:

ClinVar aggregate classification (germline): Uncertain significance (1 of 4 stars; one submission).

Allele frequency attached by ClinVar (database versions not stated): gnomAD exomes below 0.00001.
gnomAD v4.1: 2 of 1,532,644 alleles (0.00013%); highest among the groups gnomAD compares: East Asian, 0.0049%; no homozygotes.

Submission:

Labcorp Genetics (formerly Invitae), Labcorp
Classification: Uncertain significance. Last evaluated: 2022-10-04. Review status: criteria provided, single submitter. Criteria: Invitae Variant Classification Sherloc (09022015). Collection method: clinical testing. Allele origin: germline.
Comment: This sequence change replaces threonine, which is neutral and polar, with alanine, which is neutral and non-polar, at codon 769 of the ARMC9 protein (p.Thr769Ala). The frequency data for this variant in the population databases is considered unreliable, as metrics indicate poor data quality at this position in the gnomAD database. This variant has not been reported in the literature in individuals affected with ARMC9-related conditions. In summary, the available evidence is currently insufficient to determine the role of this variant in disease. Therefore, it has been classified as a Variant of Uncertain Significance.

NM_001352754.2(ARMC9):c.2305A>G (p.Thr769Ala)

Gene: ARMC9 (armadillo repeat containing 9; plus strand). Cytogenetic location: 2q37.1.
Variant type: single nucleotide variant.
Coding change: c.2305A>G on transcript NM_001352754.2 (MANE Select); coding-DNA position 2305, A replaced by G.
Protein change: p.Thr769Ala; replaces threonine 769 with alanine.
Molecular consequence: missense variant.
Genome position (GRCh38, 1-based): chr2:231,369,996, A>G. VCF-style: chr2-231369996-A-G. GRCh37 (hg19) VCF-style: chr2-232234707-A-G.
Other names: c.2305A>G, p.Thr769Ala (NM_001271466.4); short protein forms T769A.
Identifiers: ClinVar variation 1941413 (VCV001941413.5), dbSNP rs1438666087, ClinGen allele CA350959317.